The following is an entry in ClinVar:

NM_000548.5(TSC2):c.-2C>T

Gene: TSC2 (TSC complex subunit 2; plus strand). Cytogenetic location: 16p13.3.
Variant type: single nucleotide variant.
Coding change: c.-2C>T on transcript NM_000548.5 (MANE Select); 2 bases upstream of the start codon, C replaced by T.
Molecular consequence: 5 prime UTR variant. On other transcripts: missense variant (1), non-coding transcript variant (5), intron variant (6).
Genome position (GRCh38, 1-based): chr16:2,048,614, C>T. VCF-style: chr16-2048614-C-T. GRCh37 (hg19) VCF-style: chr16-2098615-C-T.
Other names: c.-2C>T (NM_001077183.3, NM_001114382.3, NM_001318827.2 and 13 more transcripts); c.-228C>T (NM_001318831.2, NM_001406682.1, NM_001406684.1 and 2 more transcripts); c.32C>T, p.Thr11Ile (NM_001318832.2); c.-818C>T (NM_001406680.1, NM_001406683.1, NM_001406687.1); c.-447C>T (NM_001406681.1); c.-1433C>T (NM_001406689.1, NM_001406690.1, NM_001406691.1 and 2 more transcripts); c.-1739C>T (NM_001406693.1); c.-1314C>T (NM_001406694.1, NM_001406695.1); and 4 more; short protein forms T11I.
Identifiers: ClinVar variation 4555741 (VCV004555741.1).

ClinVar aggregate classification (germline): Uncertain significance (1 of 4 stars; one submission).

Conditions:
Hereditary cancer-predisposing syndrome. Also called: Tumor predisposition; Hereditary Cancer Syndrome; Hereditary neoplastic syndrome; Neoplastic Syndromes, Hereditary. Identifiers: Orphanet 140162, MedGen C0027672, MeSH D009386, MONDO:0015356.

gnomAD v4.1: 1 of 1,613,664 alleles (0.000062%); highest among the groups gnomAD compares: African/African-American, 0.0013%; no homozygotes.

Submission:

Ambry Genetics
Classification: Uncertain significance for Hereditary cancer-predisposing syndrome. Last evaluated: 2025-10-17. Review status: criteria provided, single submitter. Criteria: Ambry Variant Classification Scheme 2023. Collection method: clinical testing. Allele origin: germline.
Comment: The c.-2C>T variant is located in the 5' untranslated region (5&rsquo; UTR) of the TSC2 gene. This variant results from a C to T substitution 2 bases upstream from the first translated codon. This nucleotide position is well conserved in available vertebrate species. Based on the available evidence, the clinical significance of this variant remains unclear.